The following is an entry in ClinVar:

NM_003200.5(TCF3):c.1302_1303inv (p.Ser434_Leu435=)

Gene: TCF3 (transcription factor 3; minus strand). Cytogenetic location: 19p13.3.
Variant type: Inversion.
Coding change: c.1302_1303inv on transcript NM_003200.5 (MANE Select).
Protein change: p.Ser434_Leu435=.
Molecular consequence: synonymous variant.
Genome position: GRCh38 VCF-style: chr19-1619339-GT-AC. GRCh37 (hg19) VCF-style: chr19-1619338-GT-AC.
Other names: c.1302_1303inv, p.Ser434_Leu435= (NM_001136139.4, NM_001351779.2); c.1299_1300inv, p.Ser433_Leu434= (NM_001351778.2).
Identifiers: ClinVar variation 2792696 (VCV002792696.3), ClinGen allele CA2739276335.

ClinVar aggregate classification (germline): Uncertain significance (1 of 4 stars; one submission).

Submission:

Labcorp Genetics (formerly Invitae), Labcorp
Classification: Uncertain significance. Last evaluated: 2023-10-03. Review status: criteria provided, single submitter. Criteria: Invitae Variant Classification Sherloc (09022015). Collection method: clinical testing. Allele origin: germline.
Comment: This sequence change affects codon 434 of the TCF3 mRNA. It is a 'silent' change, meaning that it does not change the encoded amino acid sequence of the TCF3 protein. Information on the frequency of this variant in the gnomAD database is not available, as this variant may be reported differently in the database. This variant has not been reported in the literature in individuals affected with TCF3-related conditions. Experimental studies and prediction algorithms are not available or were not evaluated, and the effect of this variant on mRNA splicing is currently unknown. In summary, the available evidence is currently insufficient to determine the role of this variant in disease. Therefore, it has been classified as a Variant of Uncertain Significance.